The following is an entry in ClinVar:

NM_000059.4(BRCA2):c.9126T>C (p.Asp3042=)

Gene: BRCA2 (BRCA2 DNA repair associated; plus strand). Cytogenetic location: 13q13.1.
Variant type: single nucleotide variant.
Coding change: c.9126T>C on transcript NM_000059.4 (MANE Select); coding-DNA position 9126, T replaced by C.
Protein change: p.Asp3042=; no amino-acid change (aspartic acid 3042 retained).
Molecular consequence: synonymous variant.
Genome position (GRCh38, 1-based): chr13:32,380,015, T>C. VCF-style: chr13-32380015-T-C. GRCh37 (hg19) VCF-style: chr13-32954152-T-C.
Identifiers: ClinVar variation 427369 (VCV000427369.3), dbSNP rs1131692104, ClinGen allele CA483262027.
Genomic context (GRCh38, chr13:32,380,015, plus strand): 5'-TTGTTAGTTTATGGAATCTCCATATGTTGAATTTTTGTTTTGTTTTCTGTAGGTTTCAGA[T>C]GAAATTTTATTTCAGATTTACCAGCCACGGGAGCCCCTTCACTTCAGCAAATTTTTAGAT-3'
Protein context (NP_000050.3, residues 3032-3052): KTQYQQLPVS[Asp3042=]EILFQIYQPR

ClinVar aggregate classification (germline): Likely benign (3 of 4 stars; one submission).

Conditions:
Breast-ovarian cancer, familial, susceptibility to, 2 (BROVCA2). Also called: BRCA2 Hereditary Breast and Ovarian Cancer. Identifiers: Orphanet 145, MedGen C2675520, MONDO:0012933, OMIM 612555. Disease mechanism: loss of function.

Submission:

Evidence-based Network for the Interpretation of Germline Mutant Alleles (ENIGMA)
Classification: Likely benign for Breast-ovarian cancer, familial, susceptibility to, 2. Last evaluated: 2017-06-29. Review status: reviewed by expert panel. Criteria: ENIGMA BRCA1/2 Classification Criteria (2017-06-29). Collection method: curation. Allele origin: germline.
Comment: Synonymous substitution variant, with low bioinformatic likelihood to result in a splicing aberration (Splicing prior probability 0.02).